The following is an entry in ClinVar:

ClinVar aggregate classification (germline): Uncertain significance (1 of 4 stars; one submission).

Allele frequency attached by ClinVar (database versions not stated): ExAC 0.00019.
gnomAD v4.1: 58 of 700,256 alleles (0.0083%); highest among the groups gnomAD compares: Non-Finnish European, 0.013%; no homozygotes.

Submission:

Labcorp Genetics (formerly Invitae), Labcorp
Classification: Uncertain significance. Last evaluated: 2024-01-25. Review status: criteria provided, single submitter. Criteria: Invitae Variant Classification Sherloc (09022015). Collection method: clinical testing. Allele origin: germline.
Comment: This variant occurs in the RNU4ATAC gene, which encodes an RNA molecule that does not result in a protein product. This variant is present in population databases (rs773529556, gnomAD 0.01%). This variant has not been reported in the literature in individuals affected with RNU4ATAC-related conditions. ClinVar contains an entry for this variant (Variation ID: 1907795). Experimental studies and prediction algorithms are not available or were not evaluated, and the functional significance of this variant is currently unknown. In summary, the available evidence is currently insufficient to determine the role of this variant in disease. Therefore, it has been classified as a Variant of Uncertain Significance.

NC_000002.12:g.121530983T>G

Genes: CLASP1 (cytoplasmic linker associated protein 1; minus strand), CLASP1-AS1 (CLASP1 antisense RNA 1; plus strand), RNU4ATAC (RNA, U4atac small nuclear; plus strand). Cytogenetic location: 2q14.2.
Variant type: single nucleotide variant.
Molecular consequence: intron variant (on NM_001395891.1).
Genome position: GRCh38 VCF-style: chr2-121530983-T-G. GRCh37 (hg19) VCF-style: chr2-122288559-T-G.
Other names: c.196-658A>C (NM_001142274.2, NM_015282.3, NM_001378003.1 and 5 more transcripts).
Identifiers: ClinVar variation 1907795 (VCV001907795.3), dbSNP rs773529556, ClinGen allele CA1854740.